The following is an entry in ClinVar:

NM_001291303.3(FAT4):c.2014A>G (p.Met672Val)

Gene: FAT4 (FAT atypical cadherin 4; plus strand). Cytogenetic location: 4q28.1.
Variant type: single nucleotide variant.
Coding change: c.2014A>G on transcript NM_001291303.3 (MANE Select); coding-DNA position 2014, A replaced by G.
Protein change: p.Met672Val; replaces methionine 672 with valine.
Molecular consequence: missense variant.
Genome position (GRCh38, 1-based): chr4:125,318,425, A>G. VCF-style: chr4-125318425-A-G. GRCh37 (hg19) VCF-style: chr4-126239580-A-G.
Other names: c.2014A>G, p.Met672Val (NM_001291285.3, NM_024582.6); short protein forms M672V.
Identifiers: ClinVar variation 1519568 (VCV001519568.8), dbSNP rs772308456, ClinGen allele CA3072097.

ClinVar aggregate classification (germline): Uncertain significance (1 of 4 stars; one submission).

Allele frequency attached by ClinVar (database versions not stated): ExAC 0.00001; gnomAD exomes 0.00001; TOPMed 0.00002; gnomAD 0.00003.
gnomAD v4.1: 14 of 1,614,034 alleles (0.00087%); highest among the groups gnomAD compares: Admixed American, 0.0033%; no homozygotes.

Submission:

Labcorp Genetics (formerly Invitae), Labcorp
Classification: Uncertain significance. Last evaluated: 2022-10-24. Review status: criteria provided, single submitter. Criteria: Invitae Variant Classification Sherloc (09022015). Collection method: clinical testing. Allele origin: germline.
Comment: In summary, the available evidence is currently insufficient to determine the role of this variant in disease. Therefore, it has been classified as a Variant of Uncertain Significance. Advanced modeling of protein sequence and biophysical properties (such as structural, functional, and spatial information, amino acid conservation, physicochemical variation, residue mobility, and thermodynamic stability) performed at Invitae indicates that this missense variant is not expected to disrupt FAT4 protein function. ClinVar contains an entry for this variant (Variation ID: 1519568). This variant has not been reported in the literature in individuals affected with FAT4-related conditions. This variant is present in population databases (rs772308456, gnomAD 0.006%). This sequence change replaces methionine, which is neutral and non-polar, with valine, which is neutral and non-polar, at codon 672 of the FAT4 protein (p.Met672Val).